The following is an entry in ClinVar:

NM_001572.5(IRF7):c.162G>C (p.Glu54Asp)

Gene: IRF7 (interferon regulatory factor 7; minus strand). Cytogenetic location: 11p15.5.
Variant type: single nucleotide variant.
Coding change: c.162G>C on transcript NM_001572.5 (MANE Select); coding-DNA position 162, G replaced by C.
Protein change: p.Glu54Asp; replaces glutamic acid 54 with aspartic acid.
Molecular consequence: missense variant.
Genome position (GRCh38, 1-based): chr11:615,118, C>G on the plus strand (G>C on the coding strand, the complement: IRF7 is on the minus strand). VCF-style: chr11-615118-C-G. GRCh37 (hg19) VCF-style: chr11-615118-C-G.
Other names: c.162G>C, p.Glu54Asp (NM_004029.4); c.201G>C, p.Glu67Asp (NM_004031.4); short protein forms E54D, E67D.
Identifiers: ClinVar variation 2791715 (VCV002791715.3), dbSNP rs2493947679, ClinGen allele CA378983585.
Genomic context (GRCh38, chr11:615,118, plus strand): 5'-GCTCTCCCACCCGGGGCGGGGCGGGGCTGGGGTCCCCACCTTGAAGATGCGCGCGTCGGC[C>G]TCGCTCAGGTCCTTGCGCGCGAAGTGCTTCCAGGGCACGCGGAAACAGGTGCGGGCCTCG-3'
Protein context (NP_001563.2, residues 44-64): WKHFARKDLS[Glu54Asp]ADARIFKAWA

ClinVar aggregate classification (germline): Uncertain significance (1 of 4 stars; one submission).

Conditions:
Immunodeficiency 39 (IMD39). Identifiers: Orphanet 574918, MedGen C4225358, MONDO:0014597, OMIM 616345.

Submission:

Labcorp Genetics (formerly Invitae), Labcorp
Classification: Uncertain significance for Immunodeficiency 39. Last evaluated: 2023-09-12. Review status: criteria provided, single submitter. Criteria: Invitae Variant Classification Sherloc (09022015). Collection method: clinical testing. Allele origin: germline.
Comment: This variant is not present in population databases (gnomAD no frequency). In summary, the available evidence is currently insufficient to determine the role of this variant in disease. Therefore, it has been classified as a Variant of Uncertain Significance. Advanced modeling of protein sequence and biophysical properties (such as structural, functional, and spatial information, amino acid conservation, physicochemical variation, residue mobility, and thermodynamic stability) performed at Invitae indicates that this missense variant is not expected to disrupt IRF7 protein function. This variant has not been reported in the literature in individuals affected with IRF7-related conditions. This sequence change replaces glutamic acid, which is acidic and polar, with aspartic acid, which is acidic and polar, at codon 67 of the IRF7 protein (p.Glu67Asp).